The following is an entry in ClinVar:

NM_000186.4(CFH):c.3536T>C (p.Ile1179Thr)

Gene: CFH (complement factor H; plus strand). Cytogenetic location: 1q31.3.
Variant type: single nucleotide variant.
Coding change: c.3536T>C on transcript NM_000186.4 (MANE Select); coding-DNA position 3536, T replaced by C.
Protein change: p.Ile1179Thr; replaces isoleucine 1179 with threonine.
Molecular consequence: missense variant.
Genome position (GRCh38, 1-based): chr1:196,747,153, T>C. VCF-style: chr1-196747153-T-C. GRCh37 (hg19) VCF-style: chr1-196716283-T-C.
Other names: short protein forms I1179T.
Identifiers: ClinVar variation 4291597 (VCV004291597.4).

ClinVar aggregate classification (germline): Conflicting classifications of pathogenicity. Review status: criteria provided, conflicting classifications (1 of 4 stars). 2 submissions from 2 submitters: Likely pathogenic (1); Uncertain significance (1). Last evaluated 2026-09-17.

Conditions:
Atypical hemolytic-uremic syndrome. Identifiers: Orphanet 2134, MedGen C2931788, MONDO:0016244.
Hemolytic uremic syndrome, atypical, susceptibility to, 1. Also called: AHUS, SUSCEPTIBILITY TO, 1. Identifiers: Orphanet 2134, Orphanet 90038, MedGen C2749604, MONDO:0009335, OMIM 235400. Disease mechanism: Other.

gnomAD v4.1: 1 of 1,613,866 alleles (0.000062%); highest among the groups gnomAD compares: Non-Finnish European, 0.000085%; no homozygotes.

Submissions (2):

Genomenon, Inc
Classification: Uncertain significance for Atypical hemolytic-uremic syndrome. Last evaluated: 2026-09-17. Review status: criteria provided, single submitter. Criteria: Genomenon Sequence Variant Interpretation Standards - Updated. Collection method: curation. Allele origin: germline. Affected: yes.
Comment: CFH p.Ile1179Thr (c.3536T>C) is a missense variant that changes the amino acid at codon 1179 from isoleucine to threonine. This variant has been observed in at least one proband affected with atypical hemolytic-uremic syndrome (PMID: 33384694). It is absent or not present at a significant frequency in gnomAD. In conclusion, we classify CFH p.Ile1179Thr (c.3536T>C) as a variant of uncertain significance.

Victorian Clinical Genetics Services, Murdoch Childrens Research Institute
Classification: Likely pathogenic for Hemolytic uremic syndrome, atypical, susceptibility to, 1. Last evaluated: 2025-07-27. Review status: criteria provided, single submitter. Criteria: ACMG Guidelines, 2015. Collection method: clinical testing. Allele origin: germline.
Comment: This variant is classified as Likely pathogenic. Evidence in support of pathogenic classification: Variant is present in gnomAD <0.01 (v4: 1 heterozygote(s), 0 homozygote(s)); This variant has limited previous evidence of pathogenicity in unrelated individual(s). This variant has been reported in individuals with atypical hemolytic uremic syndrome (aHUS) or complement-mediated atypical hemolytic uremic syndrome (CaHUS) (Database of Complement Gene Variants, PMIDs: 33384694, 37369098); Variant is located in a hotspot region or cluster of PATHOGENIC variants. This variant is in the SCR20 domain; a region essential for self-surface recognition with many reported pathogenic variants (DECIPHER, PMIDs: 33384694,16281287). Additional information: Variant is predicted to result in a missense amino acid change from Ile to Thr; This variant is heterozygous; This gene is associated with both recessive and dominant disease. It is associated with autosomal dominant basal laminar drusen, autosomal recessive and dominant complement factor H deficiency, and is a risk factor for aHUS. There is no clear distinction between missense variants that act in a dominant versus recessive manner, although aHUS is typically autosomal dominant (PMIDs: 24799305, 30930551); Alternative amino acid change(s) at the same position are present in gnomAD (v4: 19 heterozygote(s), 0 homozygote(s)) ; No published evidence of segregation with disease has been identified for this variant; No published functional evidence has been identified for this variant; Another missense variant comparable to the one identified in this case has inconclusive previous evidence for pathogenicity. p.(Ile1179Leu) has been reported as a VUS by two clinical laboratories in ClinVar; Missense variant with inconclusive in silico prediction and uninformative conservation; Loss of function is a known mechanism of disease in this gene and is associated with basal laminar drusen (MIM#126700), complement factor H deficiency (MIM#609814) and susceptibility to atypical haemolytic uraemic syndrome 1 (aHUS; MIM#235400).

Literature cited by the submitters: PubMed 33384694 (cited by Genomenon, Inc and Victorian Clinical Genetics Services, Murdoch Childrens Research Institute); PubMed 30930551 (cited by Victorian Clinical Genetics Services, Murdoch Childrens Research Institute); PubMed 16281287 (cited by Victorian Clinical Genetics Services, Murdoch Childrens Research Institute); PubMed 24799305 (cited by Victorian Clinical Genetics Services, Murdoch Childrens Research Institute); PubMed 37369098 (cited by Victorian Clinical Genetics Services, Murdoch Childrens Research Institute).